The following is an entry in ClinVar:

ClinVar aggregate classification (germline): Likely benign. Review status: criteria provided, multiple submitters, no conflicts (2 of 4 stars). 2 submissions from 2 submitters: Likely benign (2). Last evaluated 2023-09-12.

Conditions:
Familial thoracic aortic aneurysm and aortic dissection (TAAD). Also called: Thoracic aortic aneurysms and dissections. Identifiers: Orphanet 91387, MedGen C4707243, MONDO:0019625.
Marfan syndrome (MFS). Also called: Marfan syndrome type 1; Marfan syndrome, classic; Marfan's syndrome; FBN1-Related Marfan Syndrome; MARFAN SYNDROME, TYPE I. Identifiers: Orphanet 284963, Orphanet 558, MedGen C0024796, MONDO:0007947, OMIM 154700.

Allele frequency attached by ClinVar (database versions not stated): gnomAD exomes below 0.00001.
gnomAD v4.1: 6 of 1,612,210 alleles (0.00037%); highest among the groups gnomAD compares: Non-Finnish European, 0.00042%; no homozygotes.

Submissions (2):

Labcorp Genetics (formerly Invitae), Labcorp
Classification: Likely benign for Marfan syndrome; Familial thoracic aortic aneurysm and aortic dissection. Last evaluated: 2023-09-12. Review status: criteria provided, single submitter. Criteria: Invitae Variant Classification Sherloc (09022015). Collection method: clinical testing. Allele origin: germline.

GeneDx
Classification: Likely benign. Last evaluated: 2017-01-20. Review status: criteria provided, single submitter. Criteria: GeneDx Variant Classification (06012015). Collection method: clinical testing. Allele origin: germline. Affected: yes.
Comment: This variant is considered likely benign or benign based on one or more of the following criteria: it is a conservative change, it occurs at a poorly conserved position in the protein, it is predicted to be benign by multiple in silico algorithms, and/or has population frequency not consistent with disease.

NM_000138.5(FBN1):c.2539+10T>C

Gene: FBN1 (fibrillin 1; minus strand). Cytogenetic location: 15q21.1.
Variant type: single nucleotide variant.
Coding change: c.2539+10T>C on transcript NM_000138.5 (MANE Select); 10 bases into the intron after coding-DNA position 2539, T replaced by C.
Molecular consequence: intron variant.
Genome position (GRCh38, 1-based): chr15:48,495,459, A>G on the plus strand (T>C on the coding strand, the complement: FBN1 is on the minus strand). VCF-style: chr15-48495459-A-G. GRCh37 (hg19) VCF-style: chr15-48787656-A-G.
Identifiers: ClinVar variation 506919 (VCV000506919.4), dbSNP rs878853679, ClinGen allele CA617837555.